The following is an entry in ClinVar:

ClinVar aggregate classification (germline): Uncertain significance. Review status: criteria provided, single submitter (1 of 4 stars). 3 submissions from 3 submitters: Uncertain significance (1). 2 of the submissions do not count toward it. Last evaluated 2026-01-04.

Allele frequency attached by ClinVar (database versions not stated): ESP Exome Variant Server 0.00008; gnomAD 0.00009; gnomAD exomes 0.00009 and 0.00015; TOPMed 0.00012; ExAC 0.00017.
gnomAD v4.1: 142 of 1,612,638 alleles (0.0088%); highest among the groups gnomAD compares: Non-Finnish European, 0.011%; no homozygotes.

Submissions (3):

Labcorp Genetics (formerly Invitae), Labcorp
Classification: Uncertain significance. Last evaluated: 2026-01-04. Review status: criteria provided, single submitter. Criteria: Invitae Variant Classification Sherloc (09022015). Collection method: clinical testing. Allele origin: germline.
Comment: This sequence change replaces serine, which is neutral and polar, with arginine, which is basic and polar, at codon 1072 of the AP3D1 protein (p.Ser1072Arg). This variant is present in population databases (rs369000117, gnomAD 0.03%). This variant has not been reported in the literature in individuals affected with AP3D1-related conditions. ClinVar contains an entry for this variant (Variation ID: 1003349). An algorithm developed to predict the effect of missense changes on protein structure and function (PolyPhen-2) suggests that this variant is likely to be tolerated. In summary, the available evidence is currently insufficient to determine the role of this variant in disease. Therefore, it has been classified as a Variant of Uncertain Significance.

Clinical Genetics DNA and cytogenetics Diagnostics Lab, Erasmus MC, Erasmus Medical Center
Classification: Uncertain significance. Review status: no assertion criteria provided. Collection method: clinical testing. Allele origin: germline. Affected: yes. Study: VKGL Data-share Consensus. Not counted in ClinVar's aggregate classification.

Clinical Genetics, Academic Medical Center
Classification: Uncertain significance. Review status: no assertion criteria provided. Collection method: clinical testing. Allele origin: germline. Affected: yes. Study: VKGL Data-share Consensus. Not counted in ClinVar's aggregate classification.

NM_001261826.3(AP3D1):c.3214A>C (p.Ser1072Arg)

Gene: AP3D1 (adaptor related protein complex 3 subunit delta 1; minus strand). Cytogenetic location: 19p13.3.
Variant type: single nucleotide variant.
Coding change: c.3214A>C on transcript NM_001261826.3 (MANE Select); coding-DNA position 3214, A replaced by C.
Protein change: p.Ser1072Arg; replaces serine 1072 with arginine.
Molecular consequence: missense variant.
Genome position (GRCh38, 1-based): chr19:2,110,186, T>G on the plus strand (A>C on the coding strand, the complement: AP3D1 is on the minus strand). VCF-style: chr19-2110186-T-G. GRCh37 (hg19) VCF-style: chr19-2110185-T-G.
Other names: c.3178A>C, p.Ser1060Arg (NM_001374799.1); c.3028A>C, p.Ser1010Arg (NM_003938.8); short protein forms S1010R, S1060R, S1072R.
Identifiers: ClinVar variation 1003349 (VCV001003349.11), dbSNP rs369000117, ClinGen allele CA9058507.